The following is an entry in ClinVar:

NC_000023.11:g.(?_31836708)_(31968524_?)dup

Gene: DMD (dystrophin; minus strand). Cytogenetic location: Xp21.1.
Variant type: Duplication.
Identifiers: ClinVar variation 832226 (VCV000832226.2).

ClinVar aggregate classification (germline): Pathogenic (1 of 4 stars; one submission).

Conditions:
Duchenne muscular dystrophy (DMD). Also called: Duchenne Muscular Dystrophy (DMD); MUSCULAR DYSTROPHY, PSEUDOHYPERTROPHIC PROGRESSIVE, DUCHENNE TYPE. Identifiers: Orphanet 98896, MedGen C0013264, MONDO:0010679, OMIM 310200.

Submission:

Labcorp Genetics (formerly Invitae), Labcorp
Classification: Pathogenic for Duchenne muscular dystrophy. Last evaluated: 2020-11-19. Review status: criteria provided, single submitter. Criteria: Invitae Variant Classification Sherloc (09022015). Collection method: clinical testing. Allele origin: germline.
Comment: This variant results in a copy number gain of the genomic region encompassing exon(s) 45-49 of the DMD gene. While the exact position of this variant cannot be determined from the data, sub-genic copy number gains are generally in tandem (PMID: 25640679). This variant is predicted to be in-frame, and likely preserves the integrity of the reading frame. Similar copy number variants have been observed in individual(s) with Duchenne muscular dystrophy (PMID: 9800909, 17561468, 19084397). For these reasons, this variant has been classified as Pathogenic.

Literature cited by the submitters: PubMed 25640679; PubMed 9800909; PubMed 17561468; PubMed 19084397.